The following is an entry in ClinVar:

NM_001369268.1(ACAN):c.388G>T (p.Val130Phe)

Gene: ACAN (aggrecan; plus strand). Cytogenetic location: 15q26.1.
Variant type: single nucleotide variant.
Coding change: c.388G>T on transcript NM_001369268.1 (MANE Select); coding-DNA position 388, G replaced by T.
Protein change: p.Val130Phe; replaces valine 130 with phenylalanine.
Molecular consequence: missense variant.
Genome position (GRCh38, 1-based): chr15:88,838,980, G>T. VCF-style: chr15-88838980-G-T. GRCh37 (hg19) VCF-style: chr15-89382211-G-T.
Other names: c.388G>T, p.Val130Phe (NM_001135.4, NM_001411096.1, NM_001411097.1 and 1 more transcripts); short protein forms V130F.
Identifiers: ClinVar variation 3672565 (VCV003672565.2).

ClinVar aggregate classification (germline): Uncertain significance (1 of 4 stars; one submission).

gnomAD v4.1: 2 of 1,612,750 alleles (0.00012%); highest among the groups gnomAD compares: Non-Finnish European, 0.00017%; no homozygotes.

Submission:

Labcorp Genetics (formerly Invitae), Labcorp
Classification: Uncertain significance. Last evaluated: 2025-09-03. Review status: criteria provided, single submitter. Criteria: Invitae Variant Classification Sherloc (09022015). Collection method: clinical testing. Allele origin: germline.
Comment: This sequence change replaces valine, which is neutral and non-polar, with phenylalanine, which is neutral and non-polar, at codon 130 of the ACAN protein (p.Val130Phe). This variant is not present in population databases (gnomAD no frequency). This variant has not been reported in the literature in individuals affected with ACAN-related conditions. ClinVar contains an entry for this variant (Variation ID: 3672565). Invitae Evidence Modeling of protein sequence and biophysical properties (such as structural, functional, and spatial information, amino acid conservation, physicochemical variation, residue mobility, and thermodynamic stability) indicates that this missense variant is not expected to disrupt ACAN protein function with a negative predictive value of 80%. In summary, the available evidence is currently insufficient to determine the role of this variant in disease. Therefore, it has been classified as a Variant of Uncertain Significance.